The following is an entry in ClinVar:

ClinVar aggregate classification (germline): Conflicting classifications of pathogenicity. Review status: criteria provided, conflicting classifications (1 of 4 stars). 4 submissions from 4 submitters: Uncertain significance (1); Likely benign (2). 1 of the submissions does not count toward it. Last evaluated 2024-11-11.

Conditions:
Peroxisome biogenesis disorder 2B (PBD2B). Identifiers: Orphanet 44, MedGen C3550234, MONDO:0008736, OMIM 202370.
PEX5-related disorder. Also called: PEX5-Related Disorders; PEX5-related condition.

Allele frequency attached by ClinVar (database versions not stated): gnomAD exomes 0.00001 and 0.00003; ExAC 0.00002; ESP Exome Variant Server 0.00008; gnomAD 0.00011 and 0.00012; TOPMed 0.00015.
gnomAD v4.1: 38 of 1,613,906 alleles (0.0024%); highest among the groups gnomAD compares: African/African-American, 0.041%; no homozygotes.

Submissions (4):

Blueprint Genetics
Classification: Likely benign. Last evaluated: 2024-11-11. Review status: criteria provided, single submitter. Criteria: ACMG Guidelines, 2015. Collection method: clinical testing. Allele origin: germline.

Labcorp Genetics (formerly Invitae), Labcorp
Classification: Likely benign for Peroxisome biogenesis disorder 2B. Last evaluated: 2024-10-21. Review status: criteria provided, single submitter. Criteria: Invitae Variant Classification Sherloc (09022015). Collection method: clinical testing. Allele origin: germline.

Eurofins Ntd Llc (ga)
Classification: Uncertain significance. Last evaluated: 2018-07-05. Review status: criteria provided, single submitter. Criteria: EGL ClinVar v180209 classification definitions. Collection method: clinical testing. Allele origin: germline. Observed: 1 variant allele, 1 heterozygote.

PreventionGenetics, part of Exact Sciences
Classification: Likely benign for PEX5-related condition. Last evaluated: 2024-01-31. Review status: no assertion criteria provided. Collection method: clinical testing. Allele origin: germline. Not counted in ClinVar's aggregate classification.
Comment: This variant is classified as likely benign based on ACMG/AMP sequence variant interpretation guidelines (Richards et al. 2015 PMID: 25741868, with internal and published modifications).

NM_001351132.2(PEX5):c.753+10T>C

Gene: PEX5 (peroxisomal biogenesis factor 5; plus strand). Cytogenetic location: 12p13.31.
Variant type: single nucleotide variant.
Coding change: c.753+10T>C on transcript NM_001351132.2 (MANE Select); 10 bases into the intron after coding-DNA position 753, T replaced by C.
Molecular consequence: intron variant.
Genome position (GRCh38, 1-based): chr12:7,202,361, T>C. VCF-style: chr12-7202361-T-C. GRCh37 (hg19) VCF-style: chr12-7354957-T-C.
Other names: c.643-251T>C (NM_001131024.2, NM_001351139.2, NM_001374645.1 and 10 more transcripts); c.753+10T>C (NM_001131025.1, NM_001131026.2, NM_001351131.2 and 7 more transcripts); c.688-251T>C (NM_001351135.3, NM_001351138.2); c.798+10T>C (NM_001131023.2).
Identifiers: ClinVar variation 597935 (VCV000597935.15), dbSNP rs373242881, ClinGen allele CA6426253.
Genomic context (GRCh38, chr12:7,202,361, plus strand): 5'-TCGGGCCGAGCTCAGGCAGAACAGTGGGCAGCAGAGTTTATACAGCAGCAGGTAGGACAT[T>C]GTCACTTTCCAGTCCCACTTCAGAGCCAGCTGATGCCCCAGGCCATGGGTTCAGTGGTCA-3'